The following is an entry in ClinVar:

NM_020975.6(RET):c.*1644G>C

Gene: RET (ret proto-oncogene; plus strand). Cytogenetic location: 10q11.21.
Variant type: single nucleotide variant.
Coding change: c.*1644G>C on transcript NM_020975.6 (MANE Select); 1644 bases downstream of the stop codon, G replaced by C.
Molecular consequence: 3 prime UTR variant.
Genome position (GRCh38, 1-based): chr10:43,129,913, G>C. VCF-style: chr10-43129913-G-C. GRCh37 (hg19) VCF-style: chr10-43625361-G-C.
Other names: c.*1644G>C (LRG_518t1).
Identifiers: ClinVar variation 299939 (VCV000299939.7), dbSNP rs117119161, ClinGen allele CA10631689.
Genomic context (GRCh38, chr10:43,129,913, plus strand): 5'-TTTTTCAGATACACTGTGATAAGTTCTTTTACAAATATCTATAGACATGGTAAACTTTTG[G>C]TTTTCAGATATGCTTAATGATAGTCTTACTAAATGCAGAAATAAGAATAAACTTTCTCAA-3'

ClinVar aggregate classification (germline): Conflicting classifications of pathogenicity. Review status: criteria provided, conflicting classifications (1 of 4 stars). 5 submissions from 2 submitters: Uncertain significance (1); Benign (2); Likely benign (2). Last evaluated 2025-09-10.

Conditions:
Pheochromocytoma. Also called: MAX-Related Hereditary Paraganglioma-Pheochromocytoma Syndrome. Identifiers: Orphanet 29072, MedGen C0031511, MONDO:0008233, OMIM 171300, HP:0002666.
Multiple endocrine neoplasia. Identifiers: Orphanet 276161, MedGen C0027662, MONDO:0017169.
Hirschsprung disease, susceptibility to, 1 (HSCR1). Also called: RET-Related Hirschsprung Disease. Identifiers: Orphanet 388, MedGen C3888239, MONDO:0007723, OMIM 142623.
Renal hypodysplasia/aplasia 1 (RHDA1). Also called: RENAL APLASIA; HEREDITARY RENAL APLASIA. Identifiers: Orphanet 411709, MedGen C1619700, MONDO:0024519, OMIM 191830.

Allele frequency attached by ClinVar (database versions not stated): 1000 Genomes Project 30x 0.00031; 1000 Genomes Project 0.00040; gnomAD 0.00043 and 0.00045; gnomAD exomes 0.00053; TOPMed 0.00054.
gnomAD v4.1: 206 of 398,906 alleles (0.052%); highest among the groups gnomAD compares: Middle Eastern, 1.4%; no homozygotes.

Submissions (5):

Genomic Medicine Center of Excellence, King Faisal Specialist Hospital and Research Centre
Classification: Likely benign for Hirschsprung disease, susceptibility to, 1. Last evaluated: 2025-09-10. Review status: criteria provided, single submitter. Criteria: ACMG Guidelines, 2015. Collection method: clinical testing. Allele origin: germline.

Illumina Laboratory Services, Illumina
Classification: Benign for Multiple endocrine neoplasia. Last evaluated: 2018-01-12. Review status: criteria provided, single submitter. Criteria: ICSL Variant Classification Criteria 13 December 2019. Collection method: clinical testing. Allele origin: germline.
Comment: This variant was observed in the ICSL laboratory as part of a predisposition screen in an ostensibly healthy population. It had not been previously curated by ICSL or reported in the Human Gene Mutation Database (HGMD: prior to June 1st, 2018), and was therefore a candidate for classification through an automated scoring system. Utilizing variant allele frequency, disease prevalence and penetrance estimates, and inheritance mode, an automated score was calculated to assess if this variant is too frequent to cause the disease. Based on the score and internal cut-off values, a variant classified as benign is not then subjected to further curation. The score for this variant resulted in a classification of benign for this disease.

Illumina Laboratory Services, Illumina
Classification: Likely benign for Hirschsprung disease, susceptibility to, 1. Last evaluated: 2018-01-12. Review status: criteria provided, single submitter. Criteria: ICSL Variant Classification Criteria 13 December 2019. Collection method: clinical testing. Allele origin: germline.
Comment: This variant was observed in the ICSL laboratory as part of a predisposition screen in an ostensibly healthy population. It had not been previously curated by ICSL or reported in the Human Gene Mutation Database (HGMD: prior to June 1st, 2018), and was therefore a candidate for classification through an automated scoring system. Utilizing variant allele frequency, disease prevalence and penetrance estimates, and inheritance mode, an automated score was calculated to assess if this variant is too frequent to cause the disease. Based on the score and internal cut-off values, a variant classified as likely benign is not then subjected to further curation. The score for this variant resulted in a classification of likely benign for this disease.

Illumina Laboratory Services, Illumina
Classification: Uncertain significance for Renal hypodysplasia/aplasia 1. Last evaluated: 2018-01-12. Review status: criteria provided, single submitter. Criteria: ICSL Variant Classification Criteria 13 December 2019. Collection method: clinical testing. Allele origin: germline.

Illumina Laboratory Services, Illumina
Classification: Benign for Pheochromocytoma. Last evaluated: 2018-01-12. Review status: criteria provided, single submitter. Criteria: ICSL Variant Classification Criteria 13 December 2019. Collection method: clinical testing. Allele origin: germline.
Comment: the same text as in the submission from Illumina Laboratory Services, Illumina above.